The following is an entry in ClinVar:

ClinVar aggregate classification (germline): Likely benign. Review status: criteria provided, single submitter (1 of 4 stars). 2 submissions from 2 submitters: Likely benign (1). 1 of the submissions does not count toward it. Last evaluated 2022-06-01.

Conditions:
TENM1-related disorder. Also called: TENM1-related condition.

Allele frequency attached by ClinVar (database versions not stated): ExAC 0.00023; ESP Exome Variant Server 0.00047; gnomAD 0.00048; TOPMed 0.00048; gnomAD exomes 0.00056.
gnomAD v4.1: 661 of 1,206,373 alleles (0.055%); highest among the groups gnomAD compares: Non-Finnish European, 0.069%; no homozygotes.

Submissions (2):

CeGaT Center for Human Genetics Tuebingen
Classification: Likely benign. Last evaluated: 2022-06-01. Review status: criteria provided, single submitter. Criteria: CeGaT Center For Human Genetics Tuebingen Variant Classification Criteria Version 2. Collection method: clinical testing. Allele origin: germline. Affected: yes. Observed: 1 variant allele.
Comment: TENM1: PP2, BS2

PreventionGenetics, part of Exact Sciences
Classification: Likely benign for TENM1-related condition. Last evaluated: 2023-07-02. Review status: no assertion criteria provided. Collection method: clinical testing. Allele origin: germline. Not counted in ClinVar's aggregate classification.
Comment: This variant is classified as likely benign based on ACMG/AMP sequence variant interpretation guidelines (Richards et al. 2015 PMID: 25741868, with internal and published modifications).

NM_001163278.2(TENM1):c.3497C>G (p.Pro1166Arg)

Gene: TENM1 (teneurin transmembrane protein 1; minus strand). Cytogenetic location: Xq25.
Variant type: single nucleotide variant.
Coding change: c.3497C>G on transcript NM_001163278.2 (MANE Select); coding-DNA position 3497, C replaced by G.
Protein change: p.Pro1166Arg; replaces proline 1166 with arginine.
Molecular consequence: missense variant.
Genome position (GRCh38, 1-based): chrX:124,497,214, G>C on the plus strand (C>G on the coding strand, the complement: TENM1 is on the minus strand). VCF-style: chrX-124497214-G-C. GRCh37 (hg19) VCF-style: chrX-123631064-G-C.
Other names: c.3494C>G, p.Pro1165Arg (NM_001163279.1); c.3497C>G, p.Pro1166Arg (NM_014253.3); c.3497C>G (NM_001163278.1); short protein forms P1165R, P1166R.
Identifiers: ClinVar variation 2661366 (VCV002661366.25), dbSNP rs147404499, ClinGen allele CA10509949.